The following is an entry in ClinVar:

ClinVar aggregate classification (germline): Conflicting classifications of pathogenicity. Review status: criteria provided, conflicting classifications (1 of 4 stars). 5 submissions from 5 submitters: Pathogenic (4); Uncertain significance (1). Last evaluated 2025-05-29.

Conditions:
RP1L1-related disorder. Also called: RP1L1-related condition.
Retinitis pigmentosa 88. Identifiers: MedGen C5394208, MONDO:0032940, OMIM 618826.

Allele frequency attached by ClinVar (database versions not stated): gnomAD 0.00002 and 0.00003; ExAC 0.00003; gnomAD exomes 0.00003 and 0.00006; TOPMed 0.00005; 1000 Genomes Project 30x 0.00016; 1000 Genomes Project 0.00020.
gnomAD v4.1: 92 of 1,613,314 alleles (0.0057%); highest among the groups gnomAD compares: Non-Finnish European, 0.0078%; no homozygotes.

Submissions (5):

PreventionGenetics, part of Exact Sciences
Classification: Pathogenic for RP1L1-related condition. Last evaluated: 2025-05-29. Review status: criteria provided, single submitter. Criteria: ACMG Guidelines, 2015. Collection method: clinical testing. Allele origin: germline.
Comment: The RP1L1 c.1107G>A variant is predicted to result in premature protein termination (p.Trp369*). This variant has been reported in the homozygous state in individuals with retinitis pigmentosa (Zobor et al. 2018. PubMed ID: 30025130; Table S1, Weisschuh et al. 2020. PubMed ID: 32531858). This variant has also been reported in the heterozygous state in an individual with retinal disorders (Colombo et al. 2021. PubMed ID: 33576794. Table S3). This variant is present in 0.0071% of alleles in individuals of European (Non-Finnish) descent in gnomAD. Nonsense variants in RP1L1 are an established mechanism of disease. This variant is interpreted as pathogenic.

Blueprint Genetics
Classification: Pathogenic for RP1L1-related disorders. Last evaluated: 2024-10-24. Review status: criteria provided, single submitter. Criteria: ACMG Guidelines, 2015. Collection method: clinical testing. Allele origin: germline. Affected: yes. Observed: 5 variant alleles.

DBGen Ocular Genomics
Classification: Pathogenic for Retinitis pigmentosa 88. Last evaluated: 2021-06-22. Review status: criteria provided, single submitter. Criteria: ACMG Guidelines, 2015. Collection method: clinical testing. Allele origin: germline. Affected: yes. Observed: 1 variant allele.

GeneDx
Classification: Uncertain significance. Last evaluated: 2019-05-07. Review status: criteria provided, single submitter. Criteria: GeneDx Variant Classification Process June 2021. Collection method: clinical testing. Allele origin: germline. Affected: yes.
Comment: Nonsense variant in the C-terminus predicted to result in protein truncation, as the last 2032 amino acids are lost, and other loss-of-function variants have been reported downstream in the Human Gene Mutation Database (Stenson et al., 2014); This variant is associated with the following publications: (PMID: 30025130, 33576794)

CeGaT Center for Human Genetics Tuebingen
Classification: Pathogenic. Last evaluated: 2018-11-01. Review status: criteria provided, single submitter. Criteria: CeGaT Center For Human Genetics Tuebingen Variant Classification Criteria Version 2. Collection method: clinical testing. Allele origin: germline. Affected: yes. Observed: 1 variant allele.

NM_178857.6(RP1L1):c.1107G>A (p.Trp369Ter)

Gene: RP1L1 (RP1 like 1). Cytogenetic location: 8p23.1.
Variant type: single nucleotide variant.
Coding change: c.1107G>A on transcript NM_178857.6 (MANE Select); coding-DNA position 1107, G replaced by A.
Protein change: p.Trp369Ter; replaces tryptophan 369 with a stop codon.
Molecular consequence: nonsense.
Genome position (GRCh38, 1-based): chr8:10,612,991, C>T on the plus strand (G>A on the coding strand, the complement: RP1L1 is on the minus strand). VCF-style: chr8-10612991-C-T. GRCh37 (hg19) VCF-style: chr8-10470501-C-T.
Other names: short protein forms W369*.
Identifiers: ClinVar variation 865772 (VCV000865772.50), dbSNP rs567106336, ClinGen allele CA4625313.